The following is an entry in ClinVar:

NM_000414.4(HSD17B4):c.113-2203T>A

Gene: HSD17B4 (hydroxysteroid 17-beta dehydrogenase 4; plus strand). Cytogenetic location: 5q23.1.
Variant type: single nucleotide variant.
Coding change: c.113-2203T>A on transcript NM_000414.4 (MANE Select); 2203 bases into the intron before coding-DNA position 113, T replaced by A.
Molecular consequence: intron variant.
Genome position (GRCh38, 1-based): chr5:119,471,705, T>A. VCF-style: chr5-119471705-T-A. GRCh37 (hg19) VCF-style: chr5-118807400-T-A.
Other names: c.-305+5T>A (NM_001374503.1); c.187+5T>A (NM_001199291.3); c.-169+5T>A (NM_001374499.1); c.-304-2203T>A (NM_001374502.1); c.-426-2203T>A (NM_001374500.1); c.-299-2203T>A (NM_001374501.1, NM_001292028.2); c.40+5T>A (NM_001292027.2); c.113-2203T>A (NM_001374498.1, NM_001374497.1); and 1 more.
Identifiers: ClinVar variation 3060920 (VCV003060920.2), dbSNP rs2531586013, ClinGen allele CA2740094021.
Genomic context (GRCh38, chr5:119,471,705, plus strand): 5'-TCTATGCAATAACCCTATGGAGAAGATCATTTCACAATGCAGATTCTTTGTTTCAAGTAA[T>A]TCTCTTAAGTTCTGTTTTTCCAAGTTATTTGGCATTTATCTATGTATCTTTTTATTAGTT-3'

ClinVar aggregate classification (germline): Likely benign (0 of 4 stars; one submission).

Conditions:
HSD17B4-related disorder. Also called: HSD17B4-related disorders; HSD17B4-related condition.

Submission:

PreventionGenetics, part of Exact Sciences
Classification: Likely benign for HSD17B4-related condition. Last evaluated: 2021-11-12. Review status: no assertion criteria provided. Collection method: clinical testing. Allele origin: germline.
Comment: This variant is classified as likely benign based on ACMG/AMP sequence variant interpretation guidelines (Richards et al. 2015 PMID: 25741868, with internal and published modifications).